The following is an entry in ClinVar:

ClinVar aggregate classification (germline): Likely pathogenic (1 of 4 stars; one submission).

Submission:

GeneDx
Classification: Likely pathogenic. Last evaluated: 2026-03-10. Review status: criteria provided, single submitter. Criteria: GeneDx Variant Classification Process June 2021. Collection method: clinical testing. Allele origin: germline.
Comment: Not observed at significant frequency in large population cohorts (gnomAD); In silico analysis supports that this missense variant has a deleterious effect on protein structure/function; Has not been previously published as pathogenic or benign to our knowledge

NM_001318852.2(MAPK8IP3):c.3257C>T (p.Pro1086Leu)

Gene: MAPK8IP3 (mitogen-activated protein kinase 8 interacting protein 3; plus strand). Cytogenetic location: 16p13.3.
Variant type: single nucleotide variant.
Coding change: c.3257C>T on transcript NM_001318852.2 (MANE Select); coding-DNA position 3257, C replaced by T.
Protein change: p.Pro1086Leu; replaces proline 1086 with leucine.
Molecular consequence: missense variant.
Genome position (GRCh38, 1-based): chr16:1,767,583, C>T. VCF-style: chr16-1767583-C-T. GRCh37 (hg19) VCF-style: chr16-1817584-C-T.
Other names: c.3236C>T, p.Pro1079Leu (NM_001040439.2); c.3254C>T, p.Pro1085Leu (NM_015133.5); short protein forms P1079L, P1085L, P1086L.
Identifiers: ClinVar variation 4690183 (VCV004690183.2).